The following is an entry in ClinVar:

NM_138576.4(BCL11B):c.2417del (p.Lys806fs)

Gene: BCL11B (BCL11 transcription factor B; minus strand). Cytogenetic location: 14q32.2.
Variant type: Deletion.
Coding change: c.2417del on transcript NM_138576.4 (MANE Select); coding-DNA position 2417, one base deleted (A; older notation c.2417delA).
Protein change: p.Lys806fs; shifts the reading frame from lysine 806.
Molecular consequence: frameshift variant.
Genome position (GRCh38, 1-based): chr14:99,174,419, T deleted on the plus strand (A on the coding strand, the reverse complement: BCL11B is on the minus strand); the first of 2 consecutive T bases (chr14:99,174,419-99,174,420); deleting either gives the same sequence. VCF-style (leftmost placement, unchanged base first): chr14-99174418-CT-C. GRCh37 (hg19) VCF-style: chr14-99640755-CT-C.
Other names: c.2414del, p.Lys805fs (NM_001282237.2); c.2201del, p.Lys734fs (NM_001282238.2); c.2204del, p.Lys735fs (NM_022898.3); short protein forms K735fs, K734fs, K805fs, K806fs.
Identifiers: ClinVar variation 4998006 (VCV004998006.1).

ClinVar aggregate classification (germline): Likely pathogenic (1 of 4 stars; one submission).

Conditions:
BCL11B-related disorder. Also called: BCL11B-Related Disorders.

Submission:

PreventionGenetics, part of Exact Sciences
Classification: Likely pathogenic for BCL11B-related condition. Last evaluated: 2024-10-31. Review status: criteria provided, single submitter. Criteria: ACMG Guidelines, 2015. Collection method: clinical testing. Allele origin: germline.
Comment: The BCL11B c.2204delA variant is predicted to result in a frameshift and premature protein termination (p.Lys735Argfs*6). To our knowledge, this variant has not been reported in the literature or in a large population database (gnomAD), indicating this variant is rare. Frameshift variants in BCL11B are expected to be pathogenic. This variant is interpreted as likely pathogenic.